The following is an entry in ClinVar:

ClinVar aggregate classification (germline): Uncertain significance. Review status: criteria provided, multiple submitters, no conflicts (2 of 4 stars). 2 submissions from 2 submitters: Uncertain significance (2). Last evaluated 2025-12-19.

Conditions:
Autosomal recessive severe congenital neutropenia due to CSF3R deficiency. Also called: Neutropenia, severe congenital, 7, autosomal recessive. Identifiers: Orphanet 420702, MedGen C4310764, MONDO:0014865, OMIM 617014.

Allele frequency attached by ClinVar (database versions not stated): TOPMed 0.00008; gnomAD 0.00009; gnomAD exomes 0.00012 and 0.00013; ESP Exome Variant Server 0.00015; ExAC 0.00016.
gnomAD v4.1: 195 of 1,613,650 alleles (0.012%); highest among the groups gnomAD compares: Non-Finnish European, 0.014%; no homozygotes.

Submissions (2):

Labcorp Genetics (formerly Invitae), Labcorp
Classification: Uncertain significance for Autosomal recessive severe congenital neutropenia due to CSF3R deficiency. Last evaluated: 2025-12-19. Review status: criteria provided, single submitter. Criteria: Invitae Variant Classification Sherloc (09022015). Collection method: clinical testing. Allele origin: germline.
Comment: This sequence change replaces arginine, which is basic and polar, with glutamine, which is neutral and polar, at codon 343 of the CSF3R protein (p.Arg343Gln). This variant is present in population databases (rs369185176, gnomAD 0.02%). This variant has not been reported in the literature in individuals affected with CSF3R-related conditions. ClinVar contains an entry for this variant (Variation ID: 434841). Invitae Evidence Modeling of protein sequence and biophysical properties (such as structural, functional, and spatial information, amino acid conservation, physicochemical variation, residue mobility, and thermodynamic stability) indicates that this missense variant is not expected to disrupt CSF3R protein function with a negative predictive value of 80%. In summary, the available evidence is currently insufficient to determine the role of this variant in disease. Therefore, it has been classified as a Variant of Uncertain Significance.

Genetic Services Laboratory, University of Chicago
Classification: Uncertain significance. Last evaluated: 2016-08-26. Review status: criteria provided, single submitter. Criteria: ACMG Guidelines, 2015. Collection method: clinical testing. Allele origin: germline. Affected: no.

NM_000760.4(CSF3R):c.1028G>A (p.Arg343Gln)

Gene: CSF3R (colony stimulating factor 3 receptor; minus strand). Cytogenetic location: 1p34.3.
Variant type: single nucleotide variant.
Coding change: c.1028G>A on transcript NM_000760.4 (MANE Select); coding-DNA position 1028, G replaced by A.
Protein change: p.Arg343Gln; replaces arginine 343 with glutamine.
Molecular consequence: missense variant.
Genome position (GRCh38, 1-based): chr1:36,472,109, C>T on the plus strand (G>A on the coding strand, the complement: CSF3R is on the minus strand). VCF-style: chr1-36472109-C-T. GRCh37 (hg19) VCF-style: chr1-36937710-C-T.
Other names: c.1028G>A, p.Arg343Gln (LRG_144t1, NM_156039.3, NM_172313.3); short protein forms R343Q.
Identifiers: ClinVar variation 434841 (VCV000434841.12), dbSNP rs369185176, ClinGen allele CA769300.